The following is an entry in ClinVar:

ClinVar aggregate classification (germline): Uncertain significance (1 of 4 stars; one submission).

Submission:

CeGaT Center for Human Genetics Tuebingen
Classification: Uncertain significance. Last evaluated: 2025-12-01. Review status: criteria provided, single submitter. Criteria: CeGaT Center For Human Genetics Tuebingen Variant Classification Criteria Version 2. Collection method: clinical testing. Allele origin: germline. Affected: yes. Observed: 1 variant allele.
Comment: GBF1: PM4:Supporting

NM_001377137.1(GBF1):c.889TCC[1] (p.Ser298del)

Gene: GBF1 (golgi brefeldin A resistant guanine nucleotide exchange factor 1; plus strand). Cytogenetic location: 10q24.32.
Variant type: Microsatellite.
Coding change: c.889TCC[1] on transcript NM_001377137.1 (MANE Select); one copy of the 3-base unit TCC starting at c.889; the reference has two copies in a row; one copy, 3 bases deleted.
Protein change: p.Ser298del; deletes serine 298.
Molecular consequence: non-coding transcript variant (on NR_165085.1).
Genome position (GRCh38, 1-based): chr10:102,358,610-102,358,612, TCC deleted; deleting any 3 consecutive bases within chr10:102,358,606-102,358,612 gives the same sequence; the position shown is the placement nearest the transcript's 3' end. VCF-style (leftmost placement, unchanged base first): chr10-102358605-TCTC-T. GRCh37 (hg19) VCF-style: chr10-104118362-TCTC-T.
Other names: c.889TCC[1], p.Ser298del (NM_001199378.2, NM_001199379.2, NM_001377138.1 and 13 more transcripts); c.988TCC[1], p.Ser331del (NM_001391922.1, NM_001411027.1); c.964TCC[1], p.Ser323del (NM_001411003.1); short protein forms S298del, S323del, S331del.
Identifiers: ClinVar variation 4681859 (VCV004681859.5).